The following is an entry in ClinVar:

ClinVar aggregate classification (germline): Uncertain significance (1 of 4 stars; one submission).

Submission:

GeneDx
Classification: Uncertain significance. Last evaluated: 2026-02-03. Review status: criteria provided, single submitter. Criteria: GeneDx Variant Classification Process June 2021. Collection method: clinical testing. Allele origin: germline.
Comment: Not observed at significant frequency in large population cohorts (gnomAD); In silico analysis suggests that this missense variant does not alter protein structure/function; Has not been previously published as pathogenic or benign to our knowledge

NM_002471.4(MYH6):c.3538C>A (p.Leu1180Met)

Gene: MYH6 (myosin heavy chain 6; minus strand). Cytogenetic location: 14q11.2.
Variant type: single nucleotide variant.
Coding change: c.3538C>A on transcript NM_002471.4 (MANE Select); coding-DNA position 3538, C replaced by A.
Protein change: p.Leu1180Met; replaces leucine 1180 with methionine.
Molecular consequence: missense variant.
Genome position (GRCh38, 1-based): chr14:23,390,251, G>T on the plus strand (C>A on the coding strand, the complement: MYH6 is on the minus strand). VCF-style: chr14-23390251-G-T. GRCh37 (hg19) VCF-style: chr14-23859460-G-T.
Other names: short protein forms L1180M.
Identifiers: ClinVar variation 4975232 (VCV004975232.1).